The following is an entry in ClinVar:

NM_130849.4(SLC39A4):c.970del (p.Ser324fs)

Gene: SLC39A4 (solute carrier family 39 member 4; minus strand). Cytogenetic location: 8q24.3.
Variant type: Deletion.
Coding change: c.970del on transcript NM_130849.4 (MANE Select); coding-DNA position 970, one base deleted (T; older notation c.970delT).
Protein change: p.Ser324fs; shifts the reading frame from serine 324.
Molecular consequence: frameshift variant.
Genome position (GRCh38, 1-based): chr8:144,414,731, A deleted on the plus strand (T on the coding strand, the reverse complement: SLC39A4 is on the minus strand). VCF-style (leftmost placement, unchanged base first): chr8-144414730-GA-G. GRCh37 (hg19) VCF-style: chr8-145640114-GA-G.
Other names: c.688del, p.Ser230fs (NM_001374839.1); c.895del, p.Ser299fs (NM_017767.3); short protein forms S299fs, S230fs, S324fs.
Identifiers: ClinVar variation 4752184 (VCV004752184.1).

ClinVar aggregate classification (germline): Pathogenic (1 of 4 stars; one submission).

Submission:

Labcorp Genetics (formerly Invitae), Labcorp
Classification: Pathogenic. Last evaluated: 2026-01-28. Review status: criteria provided, single submitter. Criteria: Invitae Variant Classification Sherloc (09022015). Collection method: clinical testing. Allele origin: germline.
Comment: This sequence change creates a premature translational stop signal (p.Ser324Glnfs*25) in the SLC39A4 gene. It is expected to result in an absent or disrupted protein product. Loss-of-function variants in SLC39A4 are known to be pathogenic (PMID: 12955721). This variant is not present in population databases (gnomAD no frequency). This variant has not been reported in the literature in individuals affected with SLC39A4-related conditions. For these reasons, this variant has been classified as Pathogenic.

Literature cited by the submitters: PubMed 12955721.